The following is an entry in ClinVar:

ClinVar aggregate classification (germline): Pathogenic (1 of 4 stars; one submission).

Conditions:
Cataract 1 multiple types. Also called: CATARACT, DUFFY-LINKED; CATARACT 1, NUCLEAR PROGRESSIVE; CATARACT 1 WITH MICROCORNEA; CATARACT 1, POSTERIOR SUBCAPSULAR, WITH MICROCORNEA; CATARACT 1, STELLATE NUCLEAR, WITH MICROCORNEA; CATARACT 1, MULTIPLE TYPES, WITH OR WITHOUT MICROCORNEA. Identifiers: Orphanet 1377, MedGen C1861828, MONDO:0007285, OMIM 116200.

Submission:

Labcorp Genetics (formerly Invitae), Labcorp
Classification: Pathogenic for Cataract 1 multiple types. Last evaluated: 2023-03-08. Review status: criteria provided, single submitter. Criteria: Invitae Variant Classification Sherloc (09022015). Collection method: clinical testing. Allele origin: germline.
Comment: This sequence change replaces phenylalanine, which is neutral and non-polar, with valine, which is neutral and non-polar, at codon 32 of the GJA8 protein (p.Phe32Val). This variant is not present in population databases (gnomAD no frequency). This missense change has been observed in individual(s) with congenital cataracts (Invitae). In at least one individual the variant was observed to be de novo. ClinVar contains an entry for this variant (Variation ID: 2030122). Advanced modeling of protein sequence and biophysical properties (such as structural, functional, and spatial information, amino acid conservation, physicochemical variation, residue mobility, and thermodynamic stability) performed at Invitae indicates that this missense variant is expected to disrupt GJA8 protein function. For these reasons, this variant has been classified as Pathogenic.

NM_005267.5(GJA8):c.94T>G (p.Phe32Val)

Gene: GJA8 (gap junction protein alpha 8; plus strand). Cytogenetic location: 1q21.2.
Variant type: single nucleotide variant.
Coding change: c.94T>G on transcript NM_005267.5 (MANE Select); coding-DNA position 94, T replaced by G.
Protein change: p.Phe32Val; replaces phenylalanine 32 with valine.
Molecular consequence: missense variant.
Genome position (GRCh38, 1-based): chr1:147,908,049, T>G. VCF-style: chr1-147908049-T-G. GRCh37 (hg19) VCF-style: chr1-147380176-T-G.
Other names: short protein forms F32V.
Identifiers: ClinVar variation 2030122 (VCV002030122.4), dbSNP rs2524888666, ClinGen allele CA342223096.